The following is an entry in ClinVar:

ClinVar aggregate classification (germline): Likely benign. Review status: criteria provided, multiple submitters, no conflicts (2 of 4 stars). 3 submissions from 3 submitters: Likely benign (3). Last evaluated 2026-04-27.

Conditions:
FAM111A-related disorder. Also called: FAM111A-related condition.

Allele frequency attached by ClinVar (database versions not stated): gnomAD 0.00008; ExAC 0.00010; TOPMed 0.00012.
gnomAD v4.1: 239 of 1,614,010 alleles (0.015%); highest among the groups gnomAD compares: Non-Finnish European, 0.018%; 1 homozygote.

Submissions (3):

Women's Health and Genetics/Laboratory Corporation of America, LabCorp
Classification: Likely benign. Last evaluated: 2026-04-27. Review status: criteria provided, single submitter. Criteria: LabCorp Variant Classification Summary - May 2015. Collection method: clinical testing. Allele origin: germline.

Labcorp Genetics (formerly Invitae), Labcorp
Classification: Likely benign. Last evaluated: 2025-12-19. Review status: criteria provided, single submitter. Criteria: Invitae Variant Classification Sherloc (09022015). Collection method: clinical testing. Allele origin: germline.

PreventionGenetics, part of Exact Sciences
Classification: Likely benign for FAM111A-related condition. Last evaluated: 2024-10-14. Review status: criteria provided, single submitter. Criteria: ACMG Guidelines, 2015. Collection method: clinical testing. Allele origin: germline.
Comment: This variant is classified as likely benign based on ACMG/AMP sequence variant interpretation guidelines (Richards et al. 2015 PMID: 25741868, with internal and published modifications).

NM_001312909.2(FAM111A):c.1107C>T (p.Tyr369=)

Gene: FAM111A (FAM111 trypsin like peptidase A; plus strand). Cytogenetic location: 11q12.1.
Variant type: single nucleotide variant.
Coding change: c.1107C>T on transcript NM_001312909.2 (MANE Select); coding-DNA position 1107, C replaced by T.
Protein change: p.Tyr369=; no amino-acid change (tyrosine 369 retained).
Molecular consequence: synonymous variant.
Genome position (GRCh38, 1-based): chr11:59,152,775, C>T. VCF-style: chr11-59152775-C-T. GRCh37 (hg19) VCF-style: chr11-58920248-C-T.
Other names: c.1107C>T, p.Tyr369= (NM_001142519.3, NM_001142520.3, NM_001142521.3 and 29 more transcripts); c.1107C>T (NM_022074.3).
Identifiers: ClinVar variation 2181999 (VCV002181999.6), dbSNP rs780803340, ClinGen allele CA6016708.
Genomic context (GRCh38, chr11:59,152,775, plus strand): 5'-TCTTGTACGTCTCAGTGACTCAGTTGGGTACTTATTCTGGGACAGTGCAACTACGGGTTA[C>T]GCCACCTGCTTTGTTTTTAAAGGATTGTTCATTTTAACTTGTCGGCATGTAATAGATAGC-3'
Protein context (NP_001299838.1, residues 359-379): YLFWDSATTG[Tyr369=]ATCFVFKGLF